The following is an entry in ClinVar:

ClinVar aggregate classification (germline): Conflicting classifications of pathogenicity. Review status: criteria provided, conflicting classifications (1 of 4 stars). 2 submissions from 2 submitters: Uncertain significance (1); Likely benign (1). Last evaluated 2025-12-02.

Conditions:
Cardiovascular phenotype. Identifiers: MedGen CN230736.
Myofibrillar myopathy 6. Identifiers: Orphanet 199340, MedGen C2751831, MONDO:0013061, OMIM 612954.
Dilated cardiomyopathy 1HH (CMD1HH). Identifiers: Orphanet 154, MedGen C3151293, MONDO:0013479, OMIM 613881.

Allele frequency attached by ClinVar (database versions not stated): gnomAD exomes below 0.00001; TOPMed below 0.00001; gnomAD 0.00001.

Submissions (2):

Labcorp Genetics (formerly Invitae), Labcorp
Classification: Uncertain significance for Dilated cardiomyopathy 1HH; Myofibrillar myopathy 6. Last evaluated: 2025-12-02. Review status: criteria provided, single submitter. Criteria: Invitae Variant Classification Sherloc (09022015). Collection method: clinical testing. Allele origin: germline.
Comment: This sequence change replaces proline, which is neutral and non-polar, with serine, which is neutral and polar, at codon 407 of the BAG3 protein (p.Pro407Ser). This variant is not present in population databases (gnomAD no frequency). This variant has not been reported in the literature in individuals affected with BAG3-related conditions. ClinVar contains an entry for this variant (Variation ID: 2188037). Invitae Evidence Modeling of protein sequence and biophysical properties (such as structural, functional, and spatial information, amino acid conservation, physicochemical variation, residue mobility, and thermodynamic stability) indicates that this missense variant is not expected to disrupt BAG3 protein function with a negative predictive value of 80%. In summary, the available evidence is currently insufficient to determine the role of this variant in disease. Therefore, it has been classified as a Variant of Uncertain Significance.

Ambry Genetics
Classification: Likely benign for Cardiovascular phenotype. Last evaluated: 2025-07-09. Review status: criteria provided, single submitter. Criteria: Ambry Variant Classification Scheme 2023. Collection method: clinical testing. Allele origin: germline.

NM_004281.4(BAG3):c.1219C>T (p.Pro407Ser)

Gene: BAG3 (BAG cochaperone 3; plus strand). Cytogenetic location: 10q26.11.
Variant type: single nucleotide variant.
Coding change: c.1219C>T on transcript NM_004281.4 (MANE Select); coding-DNA position 1219, C replaced by T.
Protein change: p.Pro407Ser; replaces proline 407 with serine.
Molecular consequence: missense variant.
Genome position (GRCh38, 1-based): chr10:119,676,773, C>T. VCF-style: chr10-119676773-C-T. GRCh37 (hg19) VCF-style: chr10-121436285-C-T.
Other names: short protein forms P407S.
Identifiers: ClinVar variation 2188037 (VCV002188037.5), dbSNP rs1847242923, ClinGen allele CA378296858.